The following is an entry in ClinVar:

NM_000037.4(ANK1):c.1717dup (p.Leu573fs)

Genes: ANK1 (ankyrin 1; minus strand), LOC126860369 (BRD4-independent group 4 enhancer GRCh37_chr8:41570734-41571933; plus strand). Cytogenetic location: 8p11.21.
Variant type: Duplication.
Coding change: c.1717dup on transcript NM_000037.4 (MANE Select); coding-DNA position 1717, one base duplicated (C; older notation c.1717dupC).
Protein change: p.Leu573fs; shifts the reading frame from leucine 573.
Molecular consequence: frameshift variant.
Genome position (GRCh38, 1-based): chr8:41,714,239, G duplicated on the plus strand (C on the coding strand, the reverse complement: ANK1 is on the minus strand); the first of 6 consecutive G bases (chr8:41,714,239-41,714,244); duplicating any one gives the same sequence. VCF-style (leftmost placement, unchanged base first): chr8-41714238-A-AG. GRCh37 (hg19) VCF-style: chr8-41571756-A-AG.
Other names: c.1816dup, p.Leu606fs (NM_001142446.2); c.1717dup, p.Leu573fs (NM_020475.3, NM_020476.3, NM_020477.3); c.1717dupC (NM_020476.2); short protein forms L573fs, L606fs.
Identifiers: ClinVar variation 2435005 (VCV002435005.5), dbSNP rs1826989524, ClinGen allele CA2580078334.

ClinVar aggregate classification (germline): Pathogenic/Likely pathogenic. Review status: criteria provided, multiple submitters, no conflicts (2 of 4 stars). 3 submissions from 3 submitters: Pathogenic (1); Likely pathogenic (2). Last evaluated 2025-04-07.

Conditions:
ANK1-related disorder. Also called: ANK1-related condition.
Hereditary spherocytosis type 1. Also called: Spherocytosis type 1; ANK1-Related Spherocytosis. Identifiers: Orphanet 822, MedGen C2674218, MONDO:0008447, OMIM 182900.

Submissions (3):

PreventionGenetics, part of Exact Sciences
Classification: Likely pathogenic for ANK1-related condition. Last evaluated: 2025-04-07. Review status: criteria provided, single submitter. Criteria: ACMG Guidelines, 2015. Collection method: clinical testing. Allele origin: germline.
Comment: The ANK1 c.1717dupC variant is predicted to result in a frameshift and premature protein termination (p.Leu573Profs*48). This variant was reported in the heterozygous state in individuals with autosomal dominant spherocytosis (Eber et al. 1996. PubMed ID: 8640229, reported as 1801insC; Park et al. 2016. PubMed ID: 26830532; Tole et al. 2020. PubMed ID: 32436265;). This variant has not been reported in a large population database (gnomAD), indicating this variant is rare. Frameshift variants in ANK1 are expected to be pathogenic. This variant is interpreted as likely pathogenic.

Revvity Omics, Revvity
Classification: Pathogenic for Hereditary spherocytosis type 1. Last evaluated: 2024-07-16. Review status: criteria provided, single submitter. Criteria: ACMG Guidelines, 2015. Collection method: clinical testing. Allele origin: germline.

Blueprint Genetics
Classification: Likely pathogenic for ANK1-related disorders. Last evaluated: 2017-07-04. Review status: criteria provided, single submitter. Criteria: ACMG Guidelines, 2015. Collection method: clinical testing. Allele origin: germline. Affected: yes. Observed: 1 variant allele.